The following is an entry in ClinVar:

ClinVar aggregate classification (germline): Uncertain significance. Review status: criteria provided, multiple submitters, no conflicts (2 of 4 stars). 4 submissions from 4 submitters: Uncertain significance (4). Last evaluated 2024-09-30.

Conditions:
Inborn genetic diseases. Identifiers: MedGen C0950123, MeSH D030342.

Allele frequency attached by ClinVar (database versions not stated): 1000 Genomes Project 30x 0.00016; 1000 Genomes Project 0.00020; gnomAD 0.00035; TOPMed 0.00056; ESP Exome Variant Server 0.00115.
gnomAD v4.1: 1,256 of 1,613,882 alleles (0.078%); highest among the groups gnomAD compares: Non-Finnish European, 0.1%; no homozygotes.

Submissions (4):

Women's Health and Genetics/Laboratory Corporation of America, LabCorp
Classification: Uncertain significance. Last evaluated: 2024-09-30. Review status: criteria provided, single submitter. Criteria: LabCorp Variant Classification Summary - May 2015. Collection method: clinical testing. Allele origin: germline.
Comment: Variant summary: RASGRP2 c.1778G>A (p.Arg593His) results in a non-conservative amino acid change in the encoded protein sequence. Four of five in-silico tools predict a benign effect of the variant on protein function. The variant allele was found at a frequency of 0.00031 in 251380 control chromosomes. This frequency is not significantly higher than estimated for a pathogenic variant in RASGRP2 causing Platelet-Type Bleeding Disorder 18, allowing no conclusion about variant significance. To our knowledge, no occurrence of c.1778G>A in individuals affected with Platelet-Type Bleeding Disorder 18 and no experimental evidence demonstrating its impact on protein function have been reported. ClinVar contains an entry for this variant (Variation ID: 594472). Based on the evidence outlined above, the variant was classified as uncertain significance.

Labcorp Genetics (formerly Invitae), Labcorp
Classification: Uncertain significance. Last evaluated: 2022-07-19. Review status: criteria provided, single submitter. Criteria: Invitae Variant Classification Sherloc (09022015). Collection method: clinical testing. Allele origin: germline.
Comment: This sequence change replaces arginine, which is basic and polar, with histidine, which is basic and polar, at codon 593 of the RASGRP2 protein (p.Arg593His). This variant is present in population databases (rs149482849, gnomAD 0.06%). This variant has not been reported in the literature in individuals affected with RASGRP2-related conditions. ClinVar contains an entry for this variant (Variation ID: 594472). Algorithms developed to predict the effect of missense changes on protein structure and function are either unavailable or do not agree on the potential impact of this missense change (SIFT: "Tolerated"; PolyPhen-2: "Possibly Damaging"; Align-GVGD: "Class C0"). In summary, the available evidence is currently insufficient to determine the role of this variant in disease. Therefore, it has been classified as a Variant of Uncertain Significance.

Ambry Genetics
Classification: Uncertain significance for Inborn genetic diseases. Last evaluated: 2021-09-17. Review status: criteria provided, single submitter. Criteria: Ambry Variant Classification Scheme 2023. Collection method: clinical testing. Allele origin: germline.

Eurofins Ntd Llc (ga)
Classification: Uncertain significance. Last evaluated: 2017-10-20. Review status: criteria provided, single submitter. Criteria: EGL Classification Definitions 2015. Collection method: clinical testing. Allele origin: germline. Observed: 1 variant allele, 1 heterozygote.

NM_001098671.2(RASGRP2):c.1778G>A (p.Arg593His)

Gene: RASGRP2 (RAS guanyl releasing protein 2; minus strand). Cytogenetic location: 11q13.1.
Variant type: single nucleotide variant.
Coding change: c.1778G>A on transcript NM_001098671.2 (MANE Select); coding-DNA position 1778, G replaced by A.
Protein change: p.Arg593His; replaces arginine 593 with histidine.
Molecular consequence: missense variant.
Genome position (GRCh38, 1-based): chr11:64,727,354, C>T on the plus strand (G>A on the coding strand, the complement: RASGRP2 is on the minus strand). VCF-style: chr11-64727354-C-T. GRCh37 (hg19) VCF-style: chr11-64494826-C-T.
Other names: c.1778G>A, p.Arg593His (NM_001098670.2, NM_153819.2); c.1343G>A, p.Arg448His (NM_001318398.2); short protein forms R593H, R448H.
Identifiers: ClinVar variation 594472 (VCV000594472.8), dbSNP rs149482849, ClinGen allele CA6078787.